The following is an entry in ClinVar:

NM_012208.4(HARS2):c.1092T>C (p.Tyr364=)

Gene: HARS2 (histidyl-tRNA synthetase 2, mitochondrial; plus strand). Cytogenetic location: 5q31.3.
Variant type: single nucleotide variant.
Coding change: c.1092T>C on transcript NM_012208.4 (MANE Select); coding-DNA position 1092, T replaced by C.
Protein change: p.Tyr364=; no amino-acid change (tyrosine 364 retained).
Molecular consequence: synonymous variant.
Genome position (GRCh38, 1-based): chr5:140,697,301, T>C. VCF-style: chr5-140697301-T-C. GRCh37 (hg19) VCF-style: chr5-140076886-T-C.
Other names: c.1017T>C, p.Tyr339= (NM_001278731.2); c.660T>C, p.Tyr220= (NM_001278732.2); c.1110T>C, p.Tyr370= (NM_001363535.2); c.882T>C, p.Tyr294= (NM_001363536.2).
Identifiers: ClinVar variation 386926 (VCV000386926.1), dbSNP rs1035204000, ClinGen allele CA16604866.

ClinVar aggregate classification (germline): Likely benign (1 of 4 stars; one submission).

Allele frequency attached by ClinVar (database versions not stated): gnomAD 0.00001; gnomAD exomes 0.00001; TOPMed 0.00001.
gnomAD v4.1: 15 of 1,614,010 alleles (0.00093%); highest among the groups gnomAD compares: Non-Finnish European, 0.0012%; no homozygotes.

Submission:

GeneDx
Classification: Likely benign. Last evaluated: 2016-06-22. Review status: criteria provided, single submitter. Criteria: GeneDx Variant Classification (06012015). Collection method: clinical testing. Allele origin: germline. Affected: yes.
Comment: This variant is considered likely benign or benign based on one or more of the following criteria: it is a conservative change, it occurs at a poorly conserved position in the protein, it is predicted to be benign by multiple in silico algorithms, and/or has population frequency not consistent with disease.